The following is an entry in ClinVar:

ClinVar aggregate classification (germline): Pathogenic. Review status: no assertion criteria provided (0 of 4 stars). 2 submissions from 2 submitters: Pathogenic (2). Last evaluated 2014-12-04.

Conditions:
Mesoaxial synostotic syndactyly with phalangeal reduction. Identifiers: Orphanet 157801, MedGen C1836206, MONDO:0012271, OMIM 609432.

gnomAD v4.1: 2 of 1,471,728 alleles (0.00014%); highest among the groups gnomAD compares: Non-Finnish European, 0.00018%; no homozygotes.

Submissions (2):

OMIM
Classification: Pathogenic for SYNDACTYLY, MESOAXIAL SYNOSTOTIC, WITH PHALANGEAL REDUCTION. Last evaluated: 2014-12-04. Review status: no assertion criteria provided. Collection method: literature only. Allele origin: germline.

Human Genetics, Philipps Universitaet Marburg
Classification: Pathogenic for Syndactyly type 9. Last evaluated: 2014-10-16. Review status: no assertion criteria provided. Collection method: research. Allele origin: inherited. Affected: yes.
Comment: Detection and analysis of mutations in BHLHA9 associated with MSSD

Literature cited by the submitters: PubMed 25466284 (cited by OMIM and Human Genetics, Philipps Universitaet Marburg).

NM_001164405.2(BHLHA9):c.224G>T (p.Arg75Leu)

Gene: BHLHA9 (basic helix-loop-helix family member a9; plus strand). Cytogenetic location: 17p13.3.
Variant type: single nucleotide variant.
Coding change: c.224G>T on transcript NM_001164405.2 (MANE Select); coding-DNA position 224, G replaced by T.
Protein change: p.Arg75Leu; replaces arginine 75 with leucine.
Molecular consequence: missense variant.
Genome position (GRCh38, 1-based): chr17:1,270,787, G>T. VCF-style: chr17-1270787-G-T. GRCh37 (hg19) VCF-style: chr17-1174081-G-T.
Other names: short protein forms R75L.
Identifiers: ClinVar variation 162067 (VCV000162067.1), dbSNP rs672601339, ClinGen allele CA211914.